The following is an entry in ClinVar:

ClinVar aggregate classification (germline): Pathogenic. Review status: criteria provided, multiple submitters, no conflicts (2 of 4 stars). 2 submissions from 2 submitters: Pathogenic (2). Last evaluated 2024-08-24.

Conditions:
Hereditary breast ovarian cancer syndrome. Also called: BRCA1- and BRCA2-Associated Hereditary Breast and Ovarian Cancer; Hereditary breast and ovarian cancer syndrome (HBOC); Hereditary breast and ovarian cancer syndrome; Breast and ovarian cancer; Hereditary breast and/or ovarian cancer syndrome; Hereditary breast and ovarian cancer. Identifiers: Orphanet 145, MedGen C0677776, MeSH D061325, MONDO:0003582. Disease mechanism: loss of function.
Hereditary cancer-predisposing syndrome. Also called: Neoplastic Syndromes, Hereditary; Hereditary Cancer Syndrome; Hereditary neoplastic syndrome; Tumor predisposition. Identifiers: Orphanet 140162, MedGen C0027672, MeSH D009386, MONDO:0015356.

Allele frequency attached by ClinVar (database versions not stated): TOPMed 0.00001.

Submissions (2):

Labcorp Genetics (formerly Invitae), Labcorp
Classification: Pathogenic for Hereditary breast ovarian cancer syndrome. Last evaluated: 2024-08-24. Review status: criteria provided, single submitter. Criteria: Invitae Variant Classification Sherloc (09022015). Collection method: clinical testing. Allele origin: germline.
Comment: This sequence change creates a premature translational stop signal (p.Arg2744Lysfs*20) in the BRCA2 gene. It is expected to result in an absent or disrupted protein product. Loss-of-function variants in BRCA2 are known to be pathogenic (PMID: 20104584). This variant is not present in population databases (gnomAD no frequency). This variant has not been reported in the literature in individuals affected with BRCA2-related conditions. ClinVar contains an entry for this variant (Variation ID: 2565993). For these reasons, this variant has been classified as Pathogenic.

Ambry Genetics
Classification: Pathogenic for Hereditary cancer-predisposing syndrome. Last evaluated: 2023-05-03. Review status: criteria provided, single submitter. Criteria: Ambry Variant Classification Scheme 2023. Collection method: clinical testing. Allele origin: germline.
Comment: The c.8230dupA pathogenic mutation, located in coding exon 17 of the BRCA2 gene, results from a duplication of A at nucleotide position 8230, causing a translational frameshift with a predicted alternate stop codon (p.R2744Kfs*20). This variant is considered to be rare based on population cohorts in the Genome Aggregation Database (gnomAD). This alteration is expected to result in loss of function by premature protein truncation or nonsense-mediated mRNA decay. As such, this alteration is interpreted as a disease-causing mutation.

Literature cited by the submitters: PubMed 20104584 (cited by Labcorp Genetics (formerly Invitae), Labcorp).

NM_000059.4(BRCA2):c.8230dup (p.Arg2744fs)

Gene: BRCA2 (BRCA2 DNA repair associated; plus strand). Cytogenetic location: 13q13.1.
Variant type: Duplication.
Coding change: c.8230dup on transcript NM_000059.4 (MANE Select); coding-DNA position 8230, one base duplicated (A; older notation c.8230dupA).
Protein change: p.Arg2744fs; shifts the reading frame from arginine 2744.
Molecular consequence: frameshift variant. On other transcripts: non-coding transcript variant (1).
Genome position (GRCh38, 1-based): chr13:32,363,432, A duplicated. VCF-style (leftmost placement, unchanged base first): chr13-32363431-C-CA. GRCh37 (hg19) VCF-style: chr13-32937568-C-CA.
Other names: c.8134dup, p.Arg2712fs (NM_001406719.1); c.8230dup, p.Arg2744fs (NM_001406720.1); c.3298dup, p.Arg1100fs (NM_001406721.1); c.1813dup, p.Arg605fs (NM_001406722.1); c.8230dupA (NM_000059.3); short protein forms R2744fs, R2712fs, R605fs, R1100fs.
Identifiers: ClinVar variation 2565993 (VCV002565993.4), dbSNP rs1362191804, ClinGen allele CA697340193.